The following is an entry in ClinVar:

NM_144997.7(FLCN):c.222G>A (p.Pro74=)

Gene: FLCN (folliculin; minus strand). Cytogenetic location: 17p11.2.
Variant type: single nucleotide variant.
Coding change: c.222G>A on transcript NM_144997.7 (MANE Select); coding-DNA position 222, G replaced by A.
Protein change: p.Pro74=; no amino-acid change (proline 74 retained).
Molecular consequence: synonymous variant.
Genome position (GRCh38, 1-based): chr17:17,227,916, C>T on the plus strand (G>A on the coding strand, the complement: FLCN is on the minus strand). VCF-style: chr17-17227916-C-T. GRCh37 (hg19) VCF-style: chr17-17131230-C-T.
Other names: c.222G>A (LRG_325t1, NM_144997.6); c.222G>A, p.Pro74= (NM_001353229.2, NM_001353230.2, NM_001353231.2 and 1 more transcripts).
Identifiers: ClinVar variation 460609 (VCV000460609.18), dbSNP rs770311645, ClinGen allele CA8416491.

ClinVar aggregate classification (germline): Benign/Likely benign. Review status: criteria provided, multiple submitters, no conflicts (2 of 4 stars). 5 submissions from 5 submitters: Benign (1); Likely benign (4). Last evaluated 2025-11-25.

Conditions:
Birt-Hogg-Dube syndrome 1 (BHD1). Also called: FIBROFOLLICULOMAS WITH TRICHODISCOMAS AND ACROCHORDONS. Identifiers: Orphanet 122, MedGen CN375946, MONDO:0800445, OMIM 135150.
Hereditary cancer-predisposing syndrome. Also called: Hereditary neoplastic syndrome; Neoplastic Syndromes, Hereditary; Tumor predisposition; Hereditary Cancer Syndrome. Identifiers: Orphanet 140162, MedGen C0027672, MeSH D009386, MONDO:0015356.
Birt-Hogg-Dube syndrome. Also called: Birt Hogg Dubé syndrome. Identifiers: Orphanet 122, MedGen C0346010, MONDO:0800444.

Allele frequency attached by ClinVar (database versions not stated): ExAC 0.00002; gnomAD 0.00002 and 0.00003; gnomAD exomes 0.00002; TOPMed 0.00002.

Submissions (5):

Labcorp Genetics (formerly Invitae), Labcorp
Classification: Likely benign for Birt-Hogg-Dube syndrome. Last evaluated: 2025-11-25. Review status: criteria provided, single submitter. Criteria: Invitae Variant Classification Sherloc (09022015). Collection method: clinical testing. Allele origin: germline.

Quest Diagnostics Nichols Institute San Juan Capistrano
Classification: Likely benign. Last evaluated: 2025-04-12. Review status: criteria provided, single submitter. Criteria: Quest Diagnostics criteria. Collection method: clinical testing. Allele origin: unknown.

Myriad Genetics, Inc.
Classification: Benign for Birt-Hogg-Dube syndrome 1. Last evaluated: 2024-10-22. Review status: criteria provided, single submitter. Criteria: Myriad Autosomal Dominant, Autosomal Recessive and X-Linked Classification Criteria (2023). Collection method: clinical testing. Allele origin: unknown.
Comment: This variant is considered benign. This variant is a silent/synonymous amino acid change and it is not expected to impact splicing.

GeneDx
Classification: Likely benign. Last evaluated: 2018-05-17. Review status: criteria provided, single submitter. Criteria: GeneDx Variant Classification (06012015). Collection method: clinical testing. Allele origin: germline. Affected: yes.
Comment: This variant is considered likely benign or benign based on one or more of the following criteria: it is a conservative change, it occurs at a poorly conserved position in the protein, it is predicted to be benign by multiple in silico algorithms, and/or has population frequency not consistent with disease.

Ambry Genetics
Classification: Likely benign for Hereditary cancer-predisposing syndrome. Last evaluated: 2017-05-01. Review status: criteria provided, single submitter. Criteria: Ambry Variant Classification Scheme 2023. Collection method: clinical testing. Allele origin: germline.

Literature cited by the submitters: PubMed 33137092 (cited by Quest Diagnostics Nichols Institute San Juan Capistrano).